The following is an entry in ClinVar:

NM_005807.6(PRG4):c.1543_1566del (p.Ser515_Pro522del)

Gene: PRG4 (proteoglycan 4; plus strand). Cytogenetic location: 1q31.1.
Variant type: Deletion.
Coding change: c.1543_1566del on transcript NM_005807.6 (MANE Select); coding-DNA positions 1543 to 1566, 24 bases deleted (TCACCCACCACTCCCAAGGAGCCT).
Protein change: p.Ser515_Pro522del.
Molecular consequence: inframe deletion.
Genome position (GRCh38, 1-based): chr1:186,307,262-186,307,285, TCACCCACCACTCCCAAGGAGCCT deleted; deleting any 24 consecutive bases within chr1:186,307,251-186,307,285 gives the same sequence; the c. name uses the placement nearest the transcript's 3' end. VCF-style (leftmost placement, unchanged base first): chr1-186307250-ACCAAGGAGCCTTCACCCACCACTC-A. GRCh37 (hg19) VCF-style: chr1-186276382-ACCAAGGAGCCTTCACCCACCACTC-A.
Other names: c.1420_1443del, p.Ser474_Pro481del (NM_001127708.3); c.1264_1287del, p.Ser422_Pro429del (NM_001127709.3); c.1141_1164del, p.Ser381_Pro388del (NM_001127710.3); c.1414_1437del, p.Ser472_Pro479del (NM_001303232.2).
Identifiers: ClinVar variation 5005407 (VCV005005407.2).

ClinVar aggregate classification (germline): Uncertain significance (1 of 4 stars; one submission).

Conditions:
Camptodactyly-arthropathy-coxa vara-pericarditis syndrome. Also called: PAC SYNDROME; FIBROSING SEROSITIS, FAMILIAL; Arthropathy camptodactyly syndrome; Pericarditis arthropathy camptodactyly syndrome; Congenital familial hypertrophic synovitis; JACOBS SYNDROME. Identifiers: Orphanet 2848, MedGen C1859690, MONDO:0008828, OMIM 208250.

Submission:

Juno Genomics, Hangzhou Juno Genomics, Inc
Classification: Uncertain significance for Camptodactyly-arthropathy-coxa vara-pericarditis syndrome. Review status: criteria provided, single submitter. Criteria: ACMG Guidelines, 2015. Collection method: clinical testing. Allele origin: germline.
Comment: Absent from controls (or at extremely low frequency if recessive) in Genome Aggregation Database.;Protein length changes due to in-frame deletions/insertions in a non-repeat region or stop-loss variants.